The following is an entry in ClinVar:

NM_000261.2(MYOC):c.1102C>T (p.Gln368Ter)

Gene: MYOC (myocilin; minus strand). Cytogenetic location: 1q24.3.
Variant type: single nucleotide variant.
Coding change: c.1102C>T on transcript NM_000261.2 (MANE Select); coding-DNA position 1102, C replaced by T.
Protein change: p.Gln368Ter; replaces glutamine 368 with a stop codon.
Molecular consequence: nonsense.
Genome position (GRCh38, 1-based): chr1:171,636,338, G>A on the plus strand (C>T on the coding strand, the complement: MYOC is on the minus strand). VCF-style: chr1-171636338-G-A. GRCh37 (hg19) VCF-style: chr1-171605478-G-A.
Other names: NM_000261.2(MYOC):c.1102C>T; p.Gln368Ter; short protein forms Q368*.
Identifiers: ClinVar variation 7949 (VCV000007949.75), dbSNP rs74315329, ClinGen allele CA119172.

ClinVar aggregate classification (germline): Pathogenic. Review status: reviewed by expert panel (3 of 4 stars). 19 submissions from 19 submitters: Pathogenic (1). 18 of the submissions do not count toward it. Last evaluated 2026-01-12.

Conditions:
Open-angle glaucoma. Identifiers: MedGen C0017612, MONDO:0005338, HP:0012108.
MYOC-related disorder. Also called: MYOC-related condition; MYOC-related disorders. Identifiers: MedGen CN239330.
Primary open angle glaucoma (POAG). Also called: OPTN-related open angle glaucoma. Identifiers: MedGen C0339573, MONDO:0100553, OMIM 137760.
Glaucoma 1, open angle, A (GLC1A). Also called: Glaucoma, Dominant (Juvenile Onset). Identifiers: Orphanet 98977, MedGen C1842028, MONDO:0007664, OMIM 137750.

Allele frequency attached by ClinVar (database versions not stated): 1000 Genomes Project 30x 0.00047; gnomAD 0.00089 and 0.00086; 1000 Genomes Project 0.00060; TOPMed 0.00072; ExAC 0.00109; gnomAD exomes 0.00111 and 0.00121.

Submissions 1 to 6 of 19:

ClinGen Glaucoma Variant Curation Expert Panel
Classification: Pathogenic for Open-angle glaucoma. Last evaluated: 2026-01-12. Review status: reviewed by expert panel. Criteria: ClinGen Glaucoma ACMG Specifications V2.0.0 Approved. Collection method: curation. Allele origin: germline. Inheritance: Autosomal dominant inheritance.
Comment: The c.1102C>T variant in MYOC is predicted to cause a change in the length of the protein due to the insertion of a terminating codon instead of the usual Glutamine at amino acid 368 (p.Gln368Ter). This variant is predicted to cause a deletion of ≥ 10% of the protein within the conserved olfactomedin domain, meeting PM4. PVS1 did not apply, as the disease mechanism for MYOC variants associated with juvenile or primary open angle glaucoma (JOAG or POAG) is not loss-of-function. Although this variant had a minor allele frequency of 0.003296 in the European (Finnish) genetic ancestry group of gnomAD (v4.1.0, 211 alleles out of 64,018), which meets the ≥ 0.001 threshold for BS1, Gln368Ter is exempt from this criterion due to its incomplete penetrance and the presence of a common disease haplotype in all carriers. The Gln368Ter protein had increased insolubility and reduced secretion levels compared to wild type myocilin protein in this study (PMID: 16466712). The assay met the OddsPath threshold for PS3_Moderate (> 4.3), indicating that this variant did impact protein function. This protein has also been assessed in these other studies (PMIDs: 10545602, 11004290, 11152659), however, the same level of evidence was not met. As this variant is exempt from the application of BS1, PP1 has been applied. 52 segregations in 10 families, with JOAG or POAG, have been reported (PMIDs: 11004290, 10815160, 11535458), which fulfilled PP1_Strong (≥ 7 meioses in > 1 family). There were more family studies published than presented here. This variant is exempt from the rule which normally does not allow the application of PS4 unless PM2_Supporting is met. 23 probands with JOAG or POAG have been reported carrying this variant (PMIDs: 11535458, 11004290, 10815160, 22736945, 11803488, 12189160), which met PS4 (≥15 probands). There were more probands published than presented here. In summary, this variant met the criteria to receive a score of 12 and to be classified as pathogenic (pathogenic classification ≥ 10, adapted from PMID: 32720330) for juvenile open angle glaucoma based on the ACMG/AMP criteria met, as specified by the ClinGen Glaucoma VCEP (v2.0.0, 5 Dec 2024): PS4, PP1_Strong, PM4, PS3_Moderate

PreventionGenetics, part of Exact Sciences
Classification: Likely pathogenic for MYOC-related condition. Last evaluated: 2026-09-02. Review status: criteria provided, single submitter. Criteria: ACMG Guidelines, 2015. Collection method: clinical testing. Allele origin: germline. Not counted in ClinVar's aggregate classification.
Comment: The MYOC c.1102C>T variant is predicted to result in premature protein termination (p.Gln368*). This variant is considered to be the most common causal variant for primary open-angle glaucoma and has been reported in hundreds of patients (O’Gorman et al. 2019. PubMed ID: 30816137; Gharahkhani et al. 2015. PubMed ID: 26237198). In the gnomAD database, this variant occurs at an allele frequency as high as 0.33% in the European (Finnish) population (gnomAD). However, reduced penetrance has been documented. A cross-sectional study of p.Gln368* variant carriers within the UK Biobank showed penetrance levels of 7.6% in patients with glaucoma, 24.3% in patients with ocular hypertension, and 30.8% in patients with combined glaucoma and ocular hypertension (Han et al. 2019. PubMed ID: 30267046). In a study of the Australian Registry of Advanced Glaucoma, the penetrance for the p.Gln368* was calculated to be 56.1% for patients with glaucoma (Han et al. 2019. PubMed ID: 30267046). In the ClinVar database, this variant has been interpreted by multiple labs as pathogenic or likely pathogenic (Variation ID: 7949). Various functional studies showed that the p.Gln368* variant lead to a reduction of extracellular processed myocilin (Aroca-Aguilar et al. 2008. PubMed ID: 19023451), increased autophagy due to compromised ubiquitin proteasome function (Qiu et al. 2014. PubMed ID: 24732711), and increased activation of IL-1/NF-κB pathway and inflammatory response (Itakura et al. 2015. PubMed ID: 26396484). In addition, other protein truncating variant both up- and down-stream of amino acid 368 have been reported as pathogenic (Human Gene Mutation Database). Based on this evidence, we interpret this variant as likely pathogenic.

CeGaT Center for Human Genetics Tuebingen
Classification: Pathogenic. Last evaluated: 2026-03-01. Review status: criteria provided, single submitter. Criteria: CeGaT Center For Human Genetics Tuebingen Variant Classification Criteria Version 2. Collection method: clinical testing. Allele origin: germline. Affected: yes. Observed: 29 variant alleles. Not counted in ClinVar's aggregate classification.
Comment: MYOC: PP1:Strong, PS4, PS3:Moderate

Women's Health and Genetics/Laboratory Corporation of America, LabCorp
Classification: Pathogenic for Glaucoma 1, open angle, A. Last evaluated: 2026-01-09. Review status: criteria provided, single submitter. Criteria: LabCorp Variant Classification Summary - May 2015. Collection method: clinical testing. Allele origin: germline. Not counted in ClinVar's aggregate classification.
Comment: Variant summary: MYOC c.1102C>T (p.Gln368X) results in a premature termination codon, predicted to cause a truncation of the encoded protein or absence of the protein due to nonsense mediated decay, however current evidence is not sufficient to establish loss of function as a mechanism for disease. The variant allele was found at a frequency of 0.0011 in 251404 control chromosomes. The observed variant frequency exceeds the estimated maximal expected allele frequency for disease-causing variants in MYOC. c.1102C>T has been observed in multiple individuals affected with Glaucoma 1, Open Angle, with reduced penetrance and variable age of onset (e.g. Angius_2000, Mataftsi_2001). It has also been observed to segregate with disease in related individuals. These data indicate that the variant is very likely to be associated with disease. At least one publication reports experimental evidence evaluating an impact on protein function (e.g. Aroca-Aguilar_2008). The most pronounced variant effect results in <10% of normal activity. The following publications have been ascertained in the context of this evaluation (PMID: 10815160, 11803488, 19023451). ClinVar contains an entry for this variant (Variation ID: 7949). Based on the evidence outlined above, the variant was classified as pathogenic.

Variantyx, Inc.
Classification: Pathogenic for Glaucoma 1, open angle, A. Last evaluated: 2025-11-25. Review status: criteria provided, single submitter. Criteria: Variantyx Assertion Criteria 2022. Collection method: clinical testing. Allele origin: germline. Inheritance: Autosomal dominant inheritance. Not counted in ClinVar's aggregate classification.
Comment: This is a nonsense variant in the MYOC gene (OMIM: 601652). Pathogenic variants in this gene have been associated with autosomal dominant primary open angle glaucoma. This variant introduces a premature termination codon in exon 3 out of 3 and it is not expected to result in nonsense-mediated mRNA decay and a truncated protein may be produced (PM4). It has been reported in several unrelated affected individuals (PMID: 12189160, 11803488, 10815160) (PS4), and observed to segregate with disease in several individuals from ten families (PMID: 11535458, 10815160) (PP1_Strong). Functional studies have shown that this variant alters MYOC protein function (PMID: 16466712) (PS3). Other reputable laboratories have reported this variant as pathogenic or likely pathogenic, and this classification has been validated by an expert panel in ClinVar (PP5). This variant has a 0.1333% maximum allele frequency in non-founder control populations. Based on the current evidence, this variant is classified as pathogenic for autosomal dominant primary open angle glaucoma.

Labcorp Genetics (formerly Invitae), Labcorp
Classification: Pathogenic. Last evaluated: 2025-09-01. Review status: criteria provided, single submitter. Criteria: Invitae Variant Classification Sherloc (09022015). Collection method: clinical testing. Allele origin: germline. Not counted in ClinVar's aggregate classification.
Comment: This sequence change creates a premature translational stop signal (p.Gln368*) in the MYOC gene. While this is not anticipated to result in nonsense mediated decay, it is expected to disrupt the last 137 amino acid(s) of the MYOC protein. This variant is present in population databases (rs74315329, gnomAD 0.4%), including at least one homozygous and/or hemizygous individual. This premature translational stop signal has been observed in individual(s) with primary open angle glaucoma, with reduced penetrance and variable age of onset (PMID: 10815160, 11004290, 23029558). It has also been observed to segregate with disease in related individuals. ClinVar contains an entry for this variant (Variation ID: 7949). Algorithms developed to predict the effect of variants on gene product structure and function are not available or were not evaluated for this variant. Experimental studies have shown that this premature translational stop signal affects MYOC function (PMID: 19023451, 26396484). For these reasons, this variant has been classified as Pathogenic.